The following is an entry in ClinVar:

ClinVar aggregate classification (germline): Benign/Likely benign. Review status: criteria provided, multiple submitters, no conflicts (2 of 4 stars). 6 submissions from 6 submitters: Benign (2); Likely benign (1). 3 of the submissions do not count toward it. Last evaluated 2025-10-26.

Conditions:
Dilated cardiomyopathy 1G (CMD1G). Identifiers: Orphanet 154, MedGen C1858763, MONDO:0011400, OMIM 604145.
Autosomal recessive limb-girdle muscular dystrophy type 2J (LGMDR10). Also called: MUSCULAR DYSTROPHY, LIMB-GIRDLE, AUTOSOMAL RECESSIVE 10; Limb-girdle muscular dystrophy, type 2J. Identifiers: Orphanet 140922, MedGen C1837342, MONDO:0012127, OMIM 608807.

Submissions (6):

Labcorp Genetics (formerly Invitae), Labcorp
Classification: Likely benign for Dilated cardiomyopathy 1G; Autosomal recessive limb-girdle muscular dystrophy type 2J. Last evaluated: 2025-10-26. Review status: criteria provided, single submitter. Criteria: Invitae Variant Classification Sherloc (09022015). Collection method: clinical testing. Allele origin: germline.

GeneDx
Classification: Benign. Last evaluated: 2019-08-18. Review status: criteria provided, single submitter. Criteria: GeneDx Variant Classification Process June 2021. Collection method: clinical testing. Allele origin: germline. Affected: yes.

Biesecker Lab/Clinical Genomics Section, National Institutes of Health
Classification: Benign. Last evaluated: 2013-06-24. Review status: criteria provided, single submitter. Criteria: Ng et al. (Circ Cardiovasc Genet. 2013). Collection method: research. Allele origin: unknown. Observed: 4 variant alleles. Study: ClinSeq.
Comment: The study set was not selected for affection status in relation to any cancer. Pathogenicity categories were based on literature curation. See Pubmed ID:23861362 for details.

Medical sequencing

Diagnostic Laboratory, Department of Genetics, University Medical Center Groningen
Classification: Benign. Review status: no assertion criteria provided. Collection method: clinical testing. Allele origin: germline. Affected: yes. Study: VKGL Data-share Consensus. Not counted in ClinVar's aggregate classification.

Genome Diagnostics Laboratory, University Medical Center Utrecht
Classification: Benign. Review status: no assertion criteria provided. Collection method: clinical testing. Allele origin: germline. Affected: yes. Study: VKGL Data-share Consensus. Not counted in ClinVar's aggregate classification.

Laboratory of Diagnostic Genome Analysis, Leiden University Medical Center (LUMC)
Classification: Likely benign. Review status: no assertion criteria provided. Collection method: clinical testing. Allele origin: germline. Affected: yes. Study: VKGL Data-share Consensus. Not counted in ClinVar's aggregate classification.

NM_001267550.2(TTN):c.40222+2TA[12]

Gene: TTN (titin; minus strand). Cytogenetic location: 2q31.2.
Variant type: Microsatellite.
Coding change: c.40222+2TA[12] on transcript NM_001267550.2 (MANE Select); 12 copies in a row of the 2-base unit TA starting at c.40222+2; the reference has 11 copies in a row; one copy, 2 bases duplicated.
Molecular consequence: splice donor variant. On other transcripts: intron variant (6).
Genome position (GRCh38, 1-based): chr2:178,647,041-178,647,042, TA duplicated on the plus strand (TA on the coding strand, the reverse complement: TTN is on the minus strand); duplicating any 2 consecutive bases within chr2:178,647,041-178,647,062 gives the same sequence; the position shown is the placement nearest the transcript's 3' end. VCF-style (leftmost placement, unchanged base first): chr2-178647040-G-GTA. GRCh37 (hg19) VCF-style: chr2-179511767-G-GTA.
Other names: c.32594-1032_32594-1031dup (NM_133378.4); c.13283-4745TA[12] (NM_003319.4); c.13859-4745TA[12] (NM_133437.4); c.13658-4745TA[12] (NM_133432.3); c.32594-1032TA[12] (NM_133378.4); c.35375-1032TA[12] (NM_001256850.1).
Identifiers: ClinVar variation 192212 (VCV000192212.10), dbSNP rs10580462, ClinGen allele CA200098.